The following is an entry in ClinVar:

NM_004333.6(BRAF):c.1574T>C (p.Leu525Pro)

Gene: BRAF (B-Raf proto-oncogene, serine/threonine kinase; minus strand). Cytogenetic location: 7q34.
Variant type: single nucleotide variant.
Coding change: c.1574T>C on transcript NM_004333.6 (MANE Select); coding-DNA position 1574, T replaced by C.
Protein change: p.Leu525Pro; replaces leucine 525 with proline.
Molecular consequence: missense variant.
Genome position (GRCh38, 1-based): chr7:140,777,032, A>G on the plus strand (T>C on the coding strand, the complement: BRAF is on the minus strand). VCF-style: chr7-140777032-A-G. GRCh37 (hg19) VCF-style: chr7-140476832-A-G.
Other names: c.1574T>C, p.Leu525Pro (NM_001354609.2, NM_001378468.1, NM_001378474.1); c.1694T>C, p.Leu565Pro (NM_001374244.1, NM_001374258.1); c.1583T>C, p.Leu528Pro (NM_001378467.1); c.1508T>C, p.Leu503Pro (NM_001378469.1); c.1472T>C, p.Leu491Pro (NM_001378470.1); c.1463T>C, p.Leu488Pro (NM_001378471.1); c.1418T>C, p.Leu473Pro (NM_001378472.1, NM_001378473.1); c.1310T>C, p.Leu437Pro (NM_001378475.1); short protein forms L525P, L437P, L473P, L488P, L491P, L503P, L528P, L565P.
Identifiers: ClinVar variation 222077 (VCV000222077.10), dbSNP rs869025340, ClinGen allele CA354839.
Genomic context (GRCh38, chr7:140,777,032, plus strand): 5'-TCAATGATATGGAGATGGTGATACAAGCTGGAGCCCTCACACCACTGGGTAACAATAGCC[A>G]GTTGTGGCTTTGTGGAATAGCCCATGAAGAGTAGGATATTCACATGTCGTGTTTTCCTGT-3'
Protein context (NP_004324.2, residues 515-535): LFMGYSTKPQ[Leu525Pro]AIVTQWCEGS

ClinVar aggregate classification (germline): Pathogenic/Likely pathogenic. Review status: criteria provided, multiple submitters, no conflicts (2 of 4 stars). 6 submissions from 6 submitters: Pathogenic (4); Likely pathogenic (1). 1 of the submissions does not count toward it. Last evaluated 2024-10-04.

Conditions:
Melanoma. Identifiers: MedGen C0025202, MeSH D008545, MONDO:0005105, HP:0002861.
LEOPARD syndrome 3 (LPRD3). Identifiers: Orphanet 500, MedGen C3150971, MONDO:0013380, OMIM 613707.
Noonan syndrome 7 (NS7). Also called: BRAF-Related Noonan Syndrome. Identifiers: Orphanet 648, MedGen C3150970, MONDO:0013379, OMIM 613706.
Cardiofaciocutaneous syndrome 1 (CFC1). Also called: BRAF-Related Cardiofaciocutaneous Syndrome; MAP2K1-Related Cardiofaciocutaneous Syndrome; KRAS-Related Cardiofaciocutaneous Syndrome; MAP2K2-Related Cardiofaciocutaneous Syndrome. Identifiers: Orphanet 1340, MedGen CN029449, MONDO:0007265, OMIM 115150. Disease mechanism: gain of function.

Submissions (6):

Dubai Health Genomic Medicine Center, Dubai Health
Classification: Pathogenic for Melanoma. Last evaluated: 2024-10-04. Review status: criteria provided, single submitter. Criteria: ACMG Guidelines, 2015. Collection method: research. Allele origin: germline. Affected: yes.
Comment: PS2, PM5, PS4,PM2, PP3

GeneDx
Classification: Pathogenic. Last evaluated: 2024-02-13. Review status: criteria provided, single submitter. Criteria: GeneDx Variant Classification Process June 2021. Collection method: clinical testing. Allele origin: germline. Affected: yes.
Comment: Not observed at significant frequency in large population cohorts (gnomAD); Missense variants in this gene are a common cause of disease and they are underrepresented in the general population; In silico analysis supports that this missense variant has a deleterious effect on protein structure/function; This variant is associated with the following publications: (PMID: 24803665, 23093928, 26150740, 33482860, 34573299, 34643321, 19206169, 17551924, 24458522, 29493581, 35595280)

Institute of Human Genetics, University of Leipzig Medical Center
Classification: Pathogenic for Noonan syndrome 7. Last evaluated: 2021-10-25. Review status: criteria provided, single submitter. Criteria: ACMG Guidelines, 2015. Collection method: clinical testing. Allele origin: de novo. Affected: yes.
Comment: This variant was identified as de novo (maternity and paternity confirmed)._x000D_ Criteria applied: PS2, PM5_STR, PS4_MOD, PM1, PM2_SUP, PP3

Laboratory of Molecular Genetics (Pr. Bezieau's lab), CHU de Nantes
Classification: Pathogenic. Last evaluated: 2018-04-05. Review status: criteria provided, single submitter. Criteria: ACMG Guidelines, 2015. Collection method: clinical testing. Allele origin: germline. Affected: yes.

Molecular Diagnostics Lab, Nemours Children's Health, Delaware
Classification: Likely pathogenic. Last evaluated: 2015-07-22. Review status: criteria provided, single submitter. Criteria: ACMG Guidelines, 2015. Collection method: clinical testing. Allele origin: unknown. Affected: yes. Observed: 1 variant allele.

Clinical Genetics Laboratory, University Hospital Schleswig-Holstein
Classification: Likely pathogenic for Cardiofaciocutaneous syndrome 1; LEOPARD syndrome 3; Noonan syndrome 7. Last evaluated: 2024-03-06. Review status: no assertion criteria provided. Collection method: clinical testing. Allele origin: germline. Affected: yes. Not counted in ClinVar's aggregate classification.

Literature cited by the submitters: PubMed 17551924 (cited by Molecular Diagnostics Lab, Nemours Children's Health, Delaware).